The following is an entry in ClinVar:

ClinVar aggregate classification (germline): Uncertain significance (1 of 4 stars; one submission).

Conditions:
Osteogenesis imperfecta type I (OI1). Also called: Lobstein's Disease; OI, TYPE I; OSTEOGENESIS IMPERFECTA TARDA; OSTEOGENESIS IMPERFECTA WITH BLUE SCLERAE; Osteogenesis imperfecta type 1; Lobstein disease. Identifiers: Orphanet 216796, Orphanet 666, MedGen C0023931, MONDO:0008146, OMIM 166200. Disease mechanism: loss of function.

Submission:

Labcorp Genetics (formerly Invitae), Labcorp
Classification: Uncertain significance for Osteogenesis imperfecta type I. Last evaluated: 2024-04-22. Review status: criteria provided, single submitter. Criteria: Invitae Variant Classification Sherloc (09022015). Collection method: clinical testing. Allele origin: germline.
Comment: This sequence change replaces proline, which is neutral and non-polar, with serine, which is neutral and polar, at codon 153 of the COL1A1 protein (p.Pro153Ser). This variant is not present in population databases (gnomAD no frequency). This variant has not been reported in the literature in individuals affected with COL1A1-related conditions. Advanced modeling of protein sequence and biophysical properties (such as structural, functional, and spatial information, amino acid conservation, physicochemical variation, residue mobility, and thermodynamic stability) has been performed at Invitae for this missense variant, however the output from this modeling did not meet the statistical confidence thresholds required to predict the impact of this variant on COL1A1 protein function. In summary, the available evidence is currently insufficient to determine the role of this variant in disease. Therefore, it has been classified as a Variant of Uncertain Significance.

NM_000088.4(COL1A1):c.457C>T (p.Pro153Ser)

Gene: COL1A1 (collagen type I alpha 1 chain; minus strand). Cytogenetic location: 17q21.33.
Variant type: single nucleotide variant.
Coding change: c.457C>T on transcript NM_000088.4 (MANE Select); coding-DNA position 457, C replaced by T.
Protein change: p.Pro153Ser; replaces proline 153 with serine.
Molecular consequence: missense variant.
Genome position (GRCh38, 1-based): chr17:50,199,240, G>A on the plus strand (C>T on the coding strand, the complement: COL1A1 is on the minus strand). VCF-style: chr17-50199240-G-A. GRCh37 (hg19) VCF-style: chr17-48276601-G-A.
Other names: short protein forms P153S.
Identifiers: ClinVar variation 2887325 (VCV002887325.3), dbSNP rs2509253311, ClinGen allele CA400227277.